The following is an entry in ClinVar:

NM_001134407.3(GRIN2A):c.952G>A (p.Ala318Thr)

Gene: GRIN2A (glutamate ionotropic receptor NMDA type subunit 2A; minus strand). Cytogenetic location: 16p13.2.
Variant type: single nucleotide variant.
Coding change: c.952G>A on transcript NM_001134407.3 (MANE Select); coding-DNA position 952, G replaced by A.
Protein change: p.Ala318Thr; replaces alanine 318 with threonine.
Molecular consequence: missense variant.
Genome position (GRCh38, 1-based): chr16:9,938,014, C>T on the plus strand (G>A on the coding strand, the complement: GRIN2A is on the minus strand). VCF-style: chr16-9938014-C-T. GRCh37 (hg19) VCF-style: chr16-10031871-C-T.
Other names: c.952G>A, p.Ala318Thr (NM_000833.5, NM_001134408.2); short protein forms A318T.
Identifiers: ClinVar variation 566872 (VCV000566872.11), dbSNP rs1567186996, ClinGen allele CA394798148.

ClinVar aggregate classification (germline): Uncertain significance (1 of 4 stars; one submission).

Conditions:
Landau-Kleffner syndrome (FESD). Also called: EPILEPSY, FOCAL, WITH SPEECH DISORDER AND WITH OR WITHOUT MENTAL RETARDATION; APHASIA, ACQUIRED, WITH EPILEPSY. Identifiers: Orphanet 1945, Orphanet 725, Orphanet 98818, MedGen C0282512, MONDO:0009509, OMIM 245570.

Submission:

Labcorp Genetics (formerly Invitae), Labcorp
Classification: Uncertain significance for Landau-Kleffner syndrome. Last evaluated: 2022-12-02. Review status: criteria provided, single submitter. Criteria: Invitae Variant Classification Sherloc (09022015). Collection method: clinical testing. Allele origin: germline.
Comment: ClinVar contains an entry for this variant (Variation ID: 566872). In summary, the available evidence is currently insufficient to determine the role of this variant in disease. Therefore, it has been classified as a Variant of Uncertain Significance. Advanced modeling of protein sequence and biophysical properties (such as structural, functional, and spatial information, amino acid conservation, physicochemical variation, residue mobility, and thermodynamic stability) performed at Invitae indicates that this missense variant is not expected to disrupt GRIN2A protein function. This variant has not been reported in the literature in individuals affected with GRIN2A-related conditions. This variant is not present in population databases (gnomAD no frequency). This sequence change replaces alanine, which is neutral and non-polar, with threonine, which is neutral and polar, at codon 318 of the GRIN2A protein (p.Ala318Thr).